The following is an entry in ClinVar:

ClinVar aggregate classification (germline): Uncertain significance. Review status: criteria provided, multiple submitters, no conflicts (2 of 4 stars). 3 submissions from 3 submitters: Uncertain significance (3). Last evaluated 2024-09-30.

Conditions:
Hereditary cancer-predisposing syndrome. Also called: Hereditary Cancer Syndrome; Neoplastic Syndromes, Hereditary; Tumor predisposition; Hereditary neoplastic syndrome. Identifiers: Orphanet 140162, MedGen C0027672, MeSH D009386, MONDO:0015356.
Hereditary nonpolyposis colorectal neoplasms. Identifiers: MedGen C0009405, MeSH D003123.

Submissions (3):

Labcorp Genetics (formerly Invitae), Labcorp
Classification: Uncertain significance for Hereditary nonpolyposis colorectal neoplasms. Last evaluated: 2024-09-30. Review status: criteria provided, single submitter. Criteria: Invitae Variant Classification Sherloc (09022015). Collection method: clinical testing. Allele origin: germline.
Comment: This sequence change replaces asparagine, which is neutral and polar, with tyrosine, which is neutral and polar, at codon 984 of the MSH6 protein (p.Asn984Tyr). This variant is not present in population databases (gnomAD no frequency). This variant has not been reported in the literature in individuals affected with MSH6-related conditions. ClinVar contains an entry for this variant (Variation ID: 489994). Invitae Evidence Modeling of protein sequence and biophysical properties (such as structural, functional, and spatial information, amino acid conservation, physicochemical variation, residue mobility, and thermodynamic stability) indicates that this missense variant is not expected to disrupt MSH6 protein function with a negative predictive value of 95%. In summary, the available evidence is currently insufficient to determine the role of this variant in disease. Therefore, it has been classified as a Variant of Uncertain Significance.

Ambry Genetics
Classification: Uncertain significance for Hereditary cancer-predisposing syndrome. Last evaluated: 2021-12-07. Review status: criteria provided, single submitter. Criteria: Ambry Variant Classification Scheme 2023. Collection method: clinical testing. Allele origin: germline.
Comment: The p.N984Y variant (also known as c.2950A>T), located in coding exon 4 of the MSH6 gene, results from an A to T substitution at nucleotide position 2950. The asparagine at codon 984 is replaced by tyrosine, an amino acid with dissimilar properties. This amino acid position is not well conserved in available vertebrate species. In addition, the in silico prediction for this alteration is inconclusive. Since supporting evidence is limited at this time, the clinical significance of this alteration remains unclear.

Color Diagnostics, LLC DBA Color Health
Classification: Uncertain significance for Hereditary cancer-predisposing syndrome. Last evaluated: 2018-12-29. Review status: criteria provided, single submitter. Criteria: ACMG Guidelines, 2015. Collection method: clinical testing. Allele origin: germline.

NM_000179.3(MSH6):c.2950A>T (p.Asn984Tyr)

Gene: MSH6 (mutS homolog 6; plus strand). Cytogenetic location: 2p16.3.
Variant type: single nucleotide variant.
Coding change: c.2950A>T on transcript NM_000179.3 (MANE Select); coding-DNA position 2950, A replaced by T.
Protein change: p.Asn984Tyr; replaces asparagine 984 with tyrosine.
Molecular consequence: missense variant.
Genome position (GRCh38, 1-based): chr2:47,800,933, A>T. VCF-style: chr2-47800933-A-T. GRCh37 (hg19) VCF-style: chr2-48028072-A-T.
Other names: c.2560A>T, p.Asn854Tyr (NM_001281492.2); c.2044A>T, p.Asn682Tyr (NM_001281493.2, NM_001281494.2); short protein forms N984Y, N854Y, N682Y.
Identifiers: ClinVar variation 489994 (VCV000489994.11), dbSNP rs146359682, ClinGen allele CA346756239.
Genomic context (GRCh38, chr2:47,800,933, plus strand): 5'-TGTAGGACCATAGTCTATTGGGGGATTGGTAGGAACCGTTACCAGCTGGAAATTCCTGAG[A>T]ATTTCACCACTCGCAATTTGCCAGAAGAATACGAGTTGAAATCTACCAAGAAGGGCTGTA-3'
Protein context (NP_000170.1, residues 974-994): RNRYQLEIPE[Asn984Tyr]FTTRNLPEEY